The following is an entry in ClinVar:

ClinVar aggregate classification (germline): Uncertain significance. Review status: criteria provided, multiple submitters, no conflicts (2 of 4 stars). 2 submissions from 2 submitters: Uncertain significance (2). Last evaluated 2024-12-09.

Conditions:
Jeune thoracic dystrophy. Also called: Short-rib thoracic dysplasia; Jeune syndrome; Infantile thoracic dystrophy; Thoracic pelvic phalangeal dystrophy; Jeune's syndrome; Chondroectodermal dysplasia-like syndrome. Identifiers: Orphanet 474, MedGen C0265275, MONDO:0018770.

Allele frequency attached by ClinVar (database versions not stated): gnomAD exomes 0.00002; ExAC 0.00003; gnomAD 0.00003; TOPMed 0.00003.
gnomAD v4.1: 34 of 1,604,690 alleles (0.0021%); highest among the groups gnomAD compares: Middle Eastern, 0.017%; no homozygotes.

Submissions (2):

Labcorp Genetics (formerly Invitae), Labcorp
Classification: Uncertain significance for Jeune thoracic dystrophy. Last evaluated: 2024-12-09. Review status: criteria provided, single submitter. Criteria: Invitae Variant Classification Sherloc (09022015). Collection method: clinical testing. Allele origin: germline.
Comment: This sequence change replaces arginine, which is basic and polar, with histidine, which is basic and polar, at codon 334 of the IFT80 protein (p.Arg334His). This variant is present in population databases (rs760780945, gnomAD 0.005%). This variant has not been reported in the literature in individuals affected with IFT80-related conditions. ClinVar contains an entry for this variant (Variation ID: 2421562). Invitae Evidence Modeling of protein sequence and biophysical properties (such as structural, functional, and spatial information, amino acid conservation, physicochemical variation, residue mobility, and thermodynamic stability) indicates that this missense variant is not expected to disrupt IFT80 protein function with a negative predictive value of 80%. In summary, the available evidence is currently insufficient to determine the role of this variant in disease. Therefore, it has been classified as a Variant of Uncertain Significance.

Blueprint Genetics
Classification: Uncertain significance. Last evaluated: 2023-09-26. Review status: criteria provided, single submitter. Criteria: ACMG Guidelines, 2015. Collection method: clinical testing. Allele origin: germline.

NM_020800.3(IFT80):c.1001G>A (p.Arg334His)

Genes: IFT80 (intraflagellar transport 80; minus strand), TRIM59-IFT80 (TRIM59-IFT80 readthrough (NMD candidate); minus strand). Cytogenetic location: 3q25.33.
Variant type: single nucleotide variant.
Coding change: c.1001G>A on transcript NM_020800.3 (MANE Select); coding-DNA position 1001, G replaced by A.
Protein change: p.Arg334His; replaces arginine 334 with histidine.
Molecular consequence: missense variant. On other transcripts: non-coding transcript variant (3).
Genome position (GRCh38, 1-based): chr3:160,307,738, C>T on the plus strand (G>A on the coding strand, the complement: IFT80 is on the minus strand). VCF-style: chr3-160307738-C-T. GRCh37 (hg19) VCF-style: chr3-160025526-C-T.
Other names: c.590G>A, p.Arg197His (NM_001190241.2, NM_001190242.2); short protein forms R197H, R334H.
Identifiers: ClinVar variation 2421562 (VCV002421562.6), dbSNP rs760780945, ClinGen allele CA2685284.